The following is an entry in ClinVar:

NM_022836.4(DCLRE1B):c.355+104C>T

Gene: DCLRE1B (DNA cross-link repair 1B; plus strand). Cytogenetic location: 1p13.2.
Variant type: single nucleotide variant.
Coding change: c.355+104C>T on transcript NM_022836.4 (MANE Select); 104 bases into the intron after coding-DNA position 355, C replaced by T.
Molecular consequence: intron variant.
Genome position (GRCh38, 1-based): chr1:113,907,265, C>T. VCF-style: chr1-113907265-C-T. GRCh37 (hg19) VCF-style: chr1-114449887-C-T.
Other names: c.-23-744C>T (NM_001319947.2, NM_001319946.2, NM_001363691.2); c.355+104C>T (NM_001363690.2).
Identifiers: ClinVar variation 4795392 (VCV004795392.1).

ClinVar aggregate classification (germline): Likely benign (1 of 4 stars; one submission).

gnomAD v4.1: 26,573 of 1,067,590 alleles (2.5%); highest among the groups gnomAD compares: Middle Eastern, 3.9%; 628 homozygotes.

Submission:

GeneDx
Classification: Likely benign. Last evaluated: 2018-07-09. Review status: criteria provided, single submitter. Criteria: GeneDx Variant Classification Process June 2021. Collection method: clinical testing. Allele origin: germline. Affected: yes.
Comment: See Variant Classification Assertion Criteria.